The following is an entry in ClinVar:

NM_001077350.3(NPRL3):c.1025dup (p.Cys343fs)

Genes: HBA-LCR (alpha-globin locus control region; plus strand), NPRL3 (NPR3 like, GATOR1 complex subunit; minus strand). Cytogenetic location: 16p13.3.
Variant type: Duplication.
Coding change: c.1025dup on transcript NM_001077350.3 (MANE Select); coding-DNA position 1025, one base duplicated (T; older notation c.1025dupT).
Protein change: p.Cys343fs; shifts the reading frame from cysteine 343.
Molecular consequence: frameshift variant.
Genome position (GRCh38, 1-based): chr16:93,225, A duplicated on the plus strand (T on the coding strand, the reverse complement: NPRL3 is on the minus strand). VCF-style (leftmost placement, unchanged base first): chr16-93224-T-TA. GRCh37 (hg19) VCF-style: chr16-143222-T-TA.
Other names: c.488dup, p.Cys164fs (NM_001039476.3); c.791dup, p.Cys265fs (NM_001243247.2); c.950dup, p.Cys318fs (NM_001243248.2, NM_001243249.2); short protein forms C164fs, C343fs, C265fs, C318fs.
Identifiers: ClinVar variation 859188 (VCV000859188.1), dbSNP rs1898837245, ClinGen allele CA645594845.
Genomic context (GRCh38, chr16:93,224, plus strand): 5'-CAGCCTCACCCCTTCCCACTCGGGGCTCCAGGCTCTGGCAGCCAGCAGCACTCACAGACA[T>TA]ACGCTGGCATTGGGAGACAGCATGTAGACGTTGTTCTCACACAGCGGGTAGATGATGATG-3'

ClinVar aggregate classification (germline): Pathogenic (1 of 4 stars; one submission).

Conditions:
Epilepsy, familial focal, with variable foci 3 (FFEVF3). Identifiers: MedGen C4310708, MONDO:0014925, OMIM 617118.

Submission:

Labcorp Genetics (formerly Invitae), Labcorp
Classification: Pathogenic for Epilepsy, familial focal, with variable foci 3. Last evaluated: 2019-03-04. Review status: criteria provided, single submitter. Criteria: Invitae Variant Classification Sherloc (09022015). Collection method: clinical testing. Allele origin: germline.
Comment: This sequence change creates a premature translational stop signal (p.Cys343Metfs*18) in the NPRL3 gene. It is expected to result in an absent or disrupted protein product. This variant is not present in population databases (ExAC no frequency). This variant has not been reported in the literature in individuals with NPRL3-related conditions. Loss-of-function variants in NPRL3 are known to be pathogenic (PMID: 26285051, 26505888). For these reasons, this variant has been classified as Pathogenic.